The following is an entry in ClinVar:

ClinVar aggregate classification (germline): Uncertain significance (1 of 4 stars; one submission).

Submission:

GeneDx
Classification: Uncertain significance. Last evaluated: 2025-05-29. Review status: criteria provided, single submitter. Criteria: GeneDx Variant Classification Process June 2021. Collection method: clinical testing. Allele origin: germline. Affected: yes.
Comment: Not observed at significant frequency in large population cohorts (gnomAD); In silico analysis suggests that this missense variant does not alter protein structure/function; Has not been previously published as pathogenic or benign to our knowledge

NM_003601.4(SMARCA5):c.172A>T (p.Met58Leu)

Genes: SMARCA5 (SNF2 related chromatin remodeling ATPase 5; plus strand), SMARCA5-AS1 (SMARCA5 antisense RNA 1; minus strand), LOC129993145 (ATAC-STARR-seq lymphoblastoid active region 21950; plus strand). Cytogenetic location: 4q31.21.
Variant type: single nucleotide variant.
Coding change: c.172A>T on transcript NM_003601.4 (MANE Select); coding-DNA position 172, A replaced by T.
Protein change: p.Met58Leu; replaces methionine 58 with leucine.
Molecular consequence: missense variant. On other transcripts: non-coding transcript variant (1).
Genome position (GRCh38, 1-based): chr4:143,514,096, A>T. VCF-style: chr4-143514096-A-T. GRCh37 (hg19) VCF-style: chr4-144435249-A-T.
Other names: short protein forms M58L.
Identifiers: ClinVar variation 4532547 (VCV004532547.1).